The following is an entry in ClinVar:

NM_001371928.1(AHDC1):c.3756C>T (p.Ser1252=)

Gene: AHDC1 (AT-hook DNA binding motif containing 1; minus strand). Cytogenetic location: 1p36.11.
Variant type: single nucleotide variant.
Coding change: c.3756C>T on transcript NM_001371928.1 (MANE Select); coding-DNA position 3756, C replaced by T.
Protein change: p.Ser1252=; no amino-acid change (serine 1252 retained).
Molecular consequence: synonymous variant.
Genome position (GRCh38, 1-based): chr1:27,548,360, G>A on the plus strand (C>T on the coding strand, the complement: AHDC1 is on the minus strand). VCF-style: chr1-27548360-G-A. GRCh37 (hg19) VCF-style: chr1-27874871-G-A.
Other names: c.3756C>T, p.Ser1252= (NM_001029882.3); c.-288C>T (NM_015699.1).
Identifiers: ClinVar variation 2699669 (VCV002699669.5), dbSNP rs765095938, ClinGen allele CA715502.
Genomic context (GRCh38, chr1:27,548,360, plus strand): 5'-TCGCGGCTGCCGGGGCCCAGTGCTCCGTTTGGATGGGTAGCCTGAGGCAGCGGCAGAGGC[G>A]GATGTCGGGAAGCCCAGATGTGAGGCCTCGAACAGGTCCACCTTCTTCCGCCGTCCACGG-3'
Protein context (NP_001358857.1, residues 1242-1262): FEASHLGFPT[Ser1252=]ASAAASGYPS

ClinVar aggregate classification (germline): Likely benign. Review status: criteria provided, single submitter (1 of 4 stars). 2 submissions from 2 submitters: Likely benign (1). 1 of the submissions does not count toward it. Last evaluated 2023-10-16.

Conditions:
AHDC1-related disorder. Also called: AHDC1-related condition.

Allele frequency attached by ClinVar (database versions not stated): ExAC 0.00001.
gnomAD v4.1: 85 of 1,606,108 alleles (0.0053%); highest among the groups gnomAD compares: Non-Finnish European, 0.006%; no homozygotes.

Submissions (2):

Labcorp Genetics (formerly Invitae), Labcorp
Classification: Likely benign. Last evaluated: 2023-10-16. Review status: criteria provided, single submitter. Criteria: Invitae Variant Classification Sherloc (09022015). Collection method: clinical testing. Allele origin: germline.

PreventionGenetics, part of Exact Sciences
Classification: Likely benign for AHDC1-related condition. Last evaluated: 2023-12-21. Review status: no assertion criteria provided. Collection method: clinical testing. Allele origin: germline. Not counted in ClinVar's aggregate classification.
Comment: This variant is classified as likely benign based on ACMG/AMP sequence variant interpretation guidelines (Richards et al. 2015 PMID: 25741868, with internal and published modifications).